The following is an entry in ClinVar:

ClinVar aggregate classification (germline): Conflicting classifications of pathogenicity. Review status: criteria provided, conflicting classifications (1 of 4 stars). 2 submissions from 2 submitters: Likely pathogenic (1); Uncertain significance (1). Last evaluated 2026-01-01.

Conditions:
ABCG5-related disorder. Also called: ABCG5-related condition.

Submissions (2):

PreventionGenetics, part of Exact Sciences
Classification: Likely pathogenic for ABCG5-related condition. Last evaluated: 2026-01-01. Review status: criteria provided, single submitter. Criteria: ACMG Guidelines, 2015. Collection method: clinical testing. Allele origin: germline.
Comment: The ABCG5 c.1762+2T>C variant is predicted to disrupt the GT donor site and interfere with normal splicing. To our knowledge, this variant has not been reported in the literature or in a large population database (gnomAD), indicating this variant is rare. Variants that disrupt the consensus splice donor site in ABCG5 are expected to be pathogenic, including another variant affecting this same splice donor site (c.1762+1G>A; Lam et al. 2002. PubMed ID: 11855938). This variant is interpreted as likely pathogenic.

Mayo Clinic Laboratories, Mayo Clinic
Classification: Uncertain significance. Last evaluated: 2024-12-19. Review status: criteria provided, single submitter. Criteria: ACMG Guidelines, 2015. Collection method: clinical testing. Allele origin: germline. Observed: 1 variant allele.
Comment: PM2_supporting, PVS1_strong

NM_022436.3(ABCG5):c.1762+2T>C

Genes: ABCG5 (ATP binding cassette subfamily G member 5; minus strand), DYNC2LI1 (dynein cytoplasmic 2 light intermediate chain 1; plus strand). Cytogenetic location: 2p21.
Variant type: single nucleotide variant.
Coding change: c.1762+2T>C on transcript NM_022436.3 (MANE Select); the canonical splice donor site of the intron after coding-DNA position 1762, T replaced by C.
Molecular consequence: splice donor variant. On other transcripts: intron variant (2).
Genome position (GRCh38, 1-based): chr2:43,814,475, A>G on the plus strand (T>C on the coding strand, the complement: ABCG5 is on the minus strand). VCF-style: chr2-43814475-A-G. GRCh37 (hg19) VCF-style: chr2-44041614-A-G.
Other names: p.?; c.1762+2T>C (NM_022436.2); c.*15+3951A>G (NM_001348913.2, NM_001348912.2).
Identifiers: ClinVar variation 4540638 (VCV004540638.2).